The following is an entry in ClinVar:

ClinVar aggregate classification (germline): Uncertain significance. Review status: criteria provided, multiple submitters, no conflicts (2 of 4 stars). 5 submissions from 4 submitters: Uncertain significance (5). Last evaluated 2025-05-30.

Conditions:
Usher syndrome type 1D (USH1D). Also called: USHER SYNDROME, TYPE ID. Identifiers: Orphanet 231169, Orphanet 886, MedGen C1832845, MONDO:0010984, OMIM 601067.
Autosomal recessive nonsyndromic hearing loss 12. Also called: DEAFNESS, AUTOSOMAL RECESSIVE 12. Identifiers: Orphanet 90636, MedGen C1832394, MONDO:0011067, OMIM 601386.

Allele frequency attached by ClinVar (database versions not stated): gnomAD 0.00007 and 0.00005; gnomAD exomes 0.00011 and 0.00019; ExAC 0.00018; TOPMed 0.00007.
gnomAD v4.1: 292 of 1,559,904 alleles (0.019%); highest among the groups gnomAD compares: East Asian, 0.034%; no homozygotes.

Submissions (5):

GeneDx
Classification: Uncertain significance. Last evaluated: 2025-05-30. Review status: criteria provided, single submitter. Criteria: GeneDx Variant Classification Process June 2021. Collection method: clinical testing. Allele origin: germline. Affected: yes.
Comment: In silico analysis supports that this missense variant has a deleterious effect on protein structure/function; This variant is associated with the following publications: (PMID: 34426522, 31445392, 28847902, 21940737, 27610647)

Blueprint Genetics
Classification: Uncertain significance. Last evaluated: 2024-11-01. Review status: criteria provided, single submitter. Criteria: ACMG Guidelines, 2015. Collection method: clinical testing. Allele origin: germline.

Women's Health and Genetics/Laboratory Corporation of America, LabCorp
Classification: Uncertain significance. Last evaluated: 2021-10-22. Review status: criteria provided, single submitter. Criteria: LabCorp Variant Classification Summary - May 2015. Collection method: clinical testing. Allele origin: germline.
Comment: Variant summary: CDH23 c.3407G>A (p.Arg1136His) results in a non-conservative amino acid change in the encoded protein sequence. Three of five in-silico tools predict a damaging effect of the variant on protein function. The variant allele was found at a frequency of 0.00011 in 166948 control chromosomes (gnomAD and publication data). This frequency is not significantly higher than expected for a pathogenic variant in CDH23 causing Usher Syndrome (0.00011 vs 0.0032), allowing no conclusion about variant significance. c.3407G>A has been reported in the literature in one individual affected with Usher Syndrome and one individual with hearing loss (Schultz_2011, Chen_2016). These reports do not provide unequivocal conclusions about association of the variant with Usher Syndrome. To our knowledge, no experimental evidence demonstrating an impact on protein function has been reported. One ClinVar submitter (evaluation after 2014) cites the variant as uncertain significance. Based on the evidence outlined above, the variant was classified as uncertain significance.

Illumina Laboratory Services, Illumina
Classification: Uncertain significance for Usher syndrome type 1D. Last evaluated: 2017-04-27. Review status: criteria provided, single submitter. Criteria: ICSL Variant Classification Criteria 13 December 2019. Collection method: clinical testing. Allele origin: germline.
Comment: This variant was observed as part of a predisposition screen in an ostensibly healthy population. A literature search was performed for the gene, cDNA change, and amino acid change (where applicable). Publications were found based on this search. However, the evidence from the literature, in combination with allele frequency data from public databases where available, was not sufficient to rule this variant in or out of causing disease. Therefore, this variant is classified as a variant of unknown significance.

Illumina Laboratory Services, Illumina
Classification: Uncertain significance for Autosomal recessive nonsyndromic hearing loss 12. Last evaluated: 2017-04-27. Review status: criteria provided, single submitter. Criteria: ICSL Variant Classification Criteria 13 December 2019. Collection method: clinical testing. Allele origin: germline.

Literature cited by the submitters: PubMed 28847902 (cited by Women's Health and Genetics/Laboratory Corporation of America, LabCorp); PubMed 27610647 (cited by Women's Health and Genetics/Laboratory Corporation of America, LabCorp); PubMed 31445392 (cited by Women's Health and Genetics/Laboratory Corporation of America, LabCorp); PubMed 21940737 (cited by Women's Health and Genetics/Laboratory Corporation of America, LabCorp and Illumina Laboratory Services, Illumina).

NM_022124.6(CDH23):c.3407G>A (p.Arg1136His)

Genes: C10orf105 (chromosome 10 open reading frame 105; minus strand), CDH23 (cadherin related 23; plus strand). Cytogenetic location: 10q22.1.
Variant type: single nucleotide variant.
Coding change: c.3407G>A on transcript NM_022124.6 (MANE Select); coding-DNA position 3407, G replaced by A.
Protein change: p.Arg1136His; replaces arginine 1136 with histidine.
Molecular consequence: missense variant. On other transcripts: intron variant (1).
Genome position (GRCh38, 1-based): chr10:71,724,082, G>A. VCF-style: chr10-71724082-G-A. GRCh37 (hg19) VCF-style: chr10-73483839-G-A.
Other names: c.3407G>A, p.Arg1136His (NM_001171930.2); c.-5-7740C>T (NM_001168390.2); short protein forms R1136H.
Identifiers: ClinVar variation 878719 (VCV000878719.8), dbSNP rs753822806, ClinGen allele CA5544709.